The following is an entry in ClinVar:

ClinVar aggregate classification (germline): Uncertain significance (1 of 4 stars; one submission).

gnomAD v4.1: 1 of 1,610,394 alleles (0.000062%); highest among the groups gnomAD compares: Non-Finnish European, 0.000085%; no homozygotes.

Submission:

GeneDx
Classification: Uncertain significance. Last evaluated: 2018-01-12. Review status: criteria provided, single submitter. Criteria: GeneDx Variant Classification (06012015). Collection method: clinical testing. Allele origin: germline. Affected: yes.
Comment: The c.459 G>T variant has not been published as a pathogenic variant, nor has it been reported as a benign variant to our knowledge. The c.459 G>T variant is observed in 1/110,948 (0.0009%) alleles from individuals of European background, in the ExAC dataset (Lek et al., 2016). Although in silico splice prediction models do not predict that c.459 G>T affects splicing, in the absence of RNA/functional studies, the actual effect of this sequence change in this individual is unknown. Therefore, based on the currently available information, it is unclear whether this variant is a pathogenic variant or a rare benign variant.

NM_005654.6(NR2F1):c.459G>T (p.Arg153=)

Genes: NR2F1 (nuclear receptor subfamily 2 group F member 1; plus strand), NR2F1-AS1 (NR2F1 antisense RNA 1; minus strand). Cytogenetic location: 5q15.
Variant type: single nucleotide variant.
Coding change: c.459G>T on transcript NM_005654.6 (MANE Select); coding-DNA position 459, G replaced by T.
Protein change: p.Arg153=; no amino-acid change (arginine 153 retained).
Molecular consequence: synonymous variant.
Genome position (GRCh38, 1-based): chr5:93,585,482, G>T. VCF-style: chr5-93585482-G-T. GRCh37 (hg19) VCF-style: chr5-92921188-G-T.
Identifiers: ClinVar variation 489295 (VCV000489295.2), dbSNP rs1479279806, ClinGen allele CA445570041.
Genomic context (GRCh38, chr5:93,585,482, plus strand): 5'-CCACCGCAACCAGTGCCAATACTGCCGCCTCAAGAAGTGCCTCAAAGTGGGCATGAGGCG[G>T]GAAGGTGAATATTTCTTCTCTGCTTCTCTCCCCGCGCTTCGCCCGCCTCCCTGGCTCTTT-3'
Protein context (NP_005645.1, residues 143-163): LKKCLKVGMR[Arg153=]EAVQRGRMPP